The following is an entry in ClinVar:

ClinVar aggregate classification (germline): Conflicting classifications of pathogenicity. Review status: criteria provided, conflicting classifications (1 of 4 stars). 3 submissions from 3 submitters: Uncertain significance (2); Likely benign (1). Last evaluated 2026-02-10.

Conditions:
MYO15A-related disorder. Also called: MYO15A-related condition.

Allele frequency attached by ClinVar (database versions not stated): gnomAD exomes 0.00002; gnomAD 0.00009; 1000 Genomes Project 30x 0.00016; TOPMed 0.00017.

Submissions (3):

PreventionGenetics, part of Exact Sciences
Classification: Uncertain significance for MYO15A-related condition. Last evaluated: 2026-02-10. Review status: criteria provided, single submitter. Criteria: ACMG Guidelines, 2015. Collection method: clinical testing. Allele origin: germline.
Comment: The MYO15A c.2513C>T variant is predicted to result in the amino acid substitution p.Ser838Leu. To our knowledge, this variant has not been reported in the literature. This variant is reported in 0.046% of alleles in individuals of African descent in gnomAD. At this time, the clinical significance of this variant is uncertain due to the absence of conclusive functional and genetic evidence.

Labcorp Genetics (formerly Invitae), Labcorp
Classification: Likely benign. Last evaluated: 2025-12-10. Review status: criteria provided, single submitter. Criteria: Invitae Variant Classification Sherloc (09022015). Collection method: clinical testing. Allele origin: germline.

GeneDx
Classification: Uncertain significance. Last evaluated: 2025-01-30. Review status: criteria provided, single submitter. Criteria: GeneDx Variant Classification Process June 2021. Collection method: clinical testing. Allele origin: germline. Affected: yes.
Comment: In silico analysis indicates that this missense variant does not alter protein structure/function; Has not been previously published as pathogenic or benign to our knowledge

NM_016239.4(MYO15A):c.2513C>T (p.Ser838Leu)

Gene: MYO15A (myosin XVA; plus strand). Cytogenetic location: 17p11.2.
Variant type: single nucleotide variant.
Coding change: c.2513C>T on transcript NM_016239.4 (MANE Select); coding-DNA position 2513, C replaced by T.
Protein change: p.Ser838Leu; replaces serine 838 with leucine.
Molecular consequence: missense variant.
Genome position (GRCh38, 1-based): chr17:18,121,313, C>T. VCF-style: chr17-18121313-C-T. GRCh37 (hg19) VCF-style: chr17-18024627-C-T.
Other names: short protein forms S838L.
Identifiers: ClinVar variation 1878962 (VCV001878962.11), dbSNP rs1033270809, ClinGen allele CA288388971.